The following is an entry in ClinVar:

NM_054027.6(ANKH):c.383C>T (p.Thr128Met)

Gene: ANKH (ANKH inorganic pyrophosphate transport regulator; minus strand). Cytogenetic location: 5p15.2.
Variant type: single nucleotide variant.
Coding change: c.383C>T on transcript NM_054027.6 (MANE Select); coding-DNA position 383, C replaced by T.
Protein change: p.Thr128Met; replaces threonine 128 with methionine.
Molecular consequence: missense variant.
Genome position (GRCh38, 1-based): chr5:14,758,529, G>A on the plus strand (C>T on the coding strand, the complement: ANKH is on the minus strand). VCF-style: chr5-14758529-G-A. GRCh37 (hg19) VCF-style: chr5-14758638-G-A.
Other names: short protein forms T128M.
Identifiers: ClinVar variation 2999140 (VCV002999140.3), dbSNP rs1738975316, ClinGen allele CA359250922.

ClinVar aggregate classification (germline): Uncertain significance (1 of 4 stars; one submission).

Allele frequency attached by ClinVar (database versions not stated): gnomAD exomes below 0.00001.

Submission:

Labcorp Genetics (formerly Invitae), Labcorp
Classification: Uncertain significance. Last evaluated: 2023-08-05. Review status: criteria provided, single submitter. Criteria: Invitae Variant Classification Sherloc (09022015). Collection method: clinical testing. Allele origin: germline.
Comment: This variant is not present in population databases (gnomAD no frequency). In summary, the available evidence is currently insufficient to determine the role of this variant in disease. Therefore, it has been classified as a Variant of Uncertain Significance. Advanced modeling of protein sequence and biophysical properties (such as structural, functional, and spatial information, amino acid conservation, physicochemical variation, residue mobility, and thermodynamic stability) has been performed at Invitae for this missense variant, however the output from this modeling did not meet the statistical confidence thresholds required to predict the impact of this variant on ANKH protein function. This variant has not been reported in the literature in individuals affected with ANKH-related conditions. This sequence change replaces threonine, which is neutral and polar, with methionine, which is neutral and non-polar, at codon 128 of the ANKH protein (p.Thr128Met).